The following is an entry in ClinVar:

ClinVar aggregate classification (germline): Conflicting classifications of pathogenicity. Review status: criteria provided, conflicting classifications (1 of 4 stars). 2 submissions from 2 submitters: Likely pathogenic (1); Uncertain significance (1). Last evaluated 2025-08-30.

Conditions:
Hereditary cancer-predisposing syndrome. Also called: Hereditary neoplastic syndrome; Tumor predisposition; Hereditary Cancer Syndrome; Neoplastic Syndromes, Hereditary. Identifiers: Orphanet 140162, MedGen C0027672, MeSH D009386, MONDO:0015356.
Familial cancer of breast. Also called: hereditary breast carcinoma; BREAST CANCER, FAMILIAL; Hereditary breast cancer. Identifiers: Orphanet 227535, MedGen C0346153, MONDO:0016419, OMIM 114480. Disease mechanism: loss of function.

Submissions (2):

Ambry Genetics
Classification: Uncertain significance for Hereditary cancer-predisposing syndrome. Last evaluated: 2025-08-30. Review status: criteria provided, single submitter. Criteria: Ambry Variant Classification Scheme 2023. Collection method: clinical testing. Allele origin: germline.
Comment: The c.593-2A>G intronic variant results from an A to G substitution two nucleotides upstream from coding exon 4 in the CHEK2 gene. Alterations that disrupt the canonical splice site are expected to result in aberrant splicing. In silico splice site analysis predicts that this alteration will weaken the native splice acceptor site and will result in the creation or strengthening of a novel splice acceptor site. A resulting transcript is predicted to be in-frame and is not expected to trigger nonsense-mediated mRNA decay; although, direct evidence is unavailable. This nucleotide position is highly conserved in available vertebrate species. Based on the available evidence, the clinical significance of this variant remains unclear.

Labcorp Genetics (formerly Invitae), Labcorp
Classification: Likely pathogenic for Familial cancer of breast. Last evaluated: 2023-11-17. Review status: criteria provided, single submitter. Criteria: Invitae Variant Classification Sherloc (09022015). Collection method: clinical testing. Allele origin: germline.
Comment: This sequence change affects an acceptor splice site in intron 4 of the CHEK2 gene. It is expected to disrupt RNA splicing. Variants that disrupt the donor or acceptor splice site typically lead to a loss of protein function (PMID: 16199547), and loss-of-function variants in CHEK2 are known to be pathogenic (PMID: 21876083, 24713400). This variant is not present in population databases (gnomAD no frequency). This variant has not been reported in the literature in individuals affected with CHEK2-related conditions. ClinVar contains an entry for this variant (Variation ID: 1067942). Algorithms developed to predict the effect of sequence changes on RNA splicing suggest that this variant may disrupt the consensus splice site. In summary, the currently available evidence indicates that the variant is pathogenic, but additional data are needed to prove that conclusively. Therefore, this variant has been classified as Likely Pathogenic.

Literature cited by the submitters: PubMed 16199547 (cited by Labcorp Genetics (formerly Invitae), Labcorp); PubMed 21876083 (cited by Labcorp Genetics (formerly Invitae), Labcorp); PubMed 24713400 (cited by Labcorp Genetics (formerly Invitae), Labcorp).

NM_007194.4(CHEK2):c.593-2A>G

Gene: CHEK2 (checkpoint kinase 2; minus strand). Cytogenetic location: 22q12.1.
Variant type: single nucleotide variant.
Coding change: c.593-2A>G on transcript NM_007194.4 (MANE Select); the canonical splice acceptor site of the intron before coding-DNA position 593, A replaced by G.
Molecular consequence: splice acceptor variant. On other transcripts: intron variant (1).
Genome position (GRCh38, 1-based): chr22:28,719,487, T>C on the plus strand (A>G on the coding strand, the complement: CHEK2 is on the minus strand). VCF-style: chr22-28719487-T-C. GRCh37 (hg19) VCF-style: chr22-29115475-T-C.
Other names: c.-71-2A>G (NM_001437942.1, NM_001257387.3); c.482+5399A>G (NM_001349956.3); c.593-2A>G (NM_145862.3, NM_007194.3); c.686-2A>G (NM_001438295.1, NM_001438293.1); c.722-2A>G (NM_001438294.1, NM_001005735.3).
Identifiers: ClinVar variation 1067942 (VCV001067942.11), dbSNP rs2146007633, ClinGen allele CA411105164.
Genomic context (GRCh38, chr22:28,719,487, plus strand): 5'-TCTTAATGCCTTAGGATAAACTGACTGATCATCTACAGTCAGATCAAAAAAGACAAAAAC[T>C]AAGGAAGAAAAGAGTAGAAATGGGTTTCATTAATTTATTCACAAGAGGCGATCACTGATT-3'